The following is an entry in ClinVar:

NM_000287.4(PEX6):c.494G>A (p.Arg165Lys)

Gene: PEX6 (peroxisomal biogenesis factor 6; minus strand). Cytogenetic location: 6p21.1.
Variant type: single nucleotide variant.
Coding change: c.494G>A on transcript NM_000287.4 (MANE Select); coding-DNA position 494, G replaced by A.
Protein change: p.Arg165Lys; replaces arginine 165 with lysine.
Molecular consequence: missense variant. On other transcripts: non-coding transcript variant (1).
Genome position (GRCh38, 1-based): chr6:42,978,657, C>T on the plus strand (G>A on the coding strand, the complement: PEX6 is on the minus strand). VCF-style: chr6-42978657-C-T. GRCh37 (hg19) VCF-style: chr6-42946395-C-T.
Other names: c.494G>A, p.Arg165Lys (NM_001316313.2); short protein forms R165K.
Identifiers: ClinVar variation 2188204 (VCV002188204.1), dbSNP rs2481279113, ClinGen allele CA364164892.
Genomic context (GRCh38, chr6:42,978,657, plus strand): 5'-AAGGAGGACACCACGGGCGGGGGTGGGGGCCGACTGCTGTCCCCAGACTCTGGACACAGT[C>T]TGGCCCGCCCGCGGAGCTCAGTCACAGCCAGCCGAGTCCCTGGGCCCAGCAGCCCTTGCA-3'
Protein context (NP_000278.3, residues 155-175): LAVTELRGRA[Arg165Lys]LCPESGDSSR

ClinVar aggregate classification (germline): Uncertain significance (1 of 4 stars; one submission).

Conditions:
Peroxisome biogenesis disorder. Identifiers: Orphanet 79189, MedGen C1832200, MONDO:0019234. Disease mechanism: loss of function.

Allele frequency attached by ClinVar (database versions not stated): gnomAD exomes below 0.00001.

Submission:

Labcorp Genetics (formerly Invitae), Labcorp
Classification: Uncertain significance for Peroxisome biogenesis disorder. Last evaluated: 2022-08-17. Review status: criteria provided, single submitter. Criteria: Invitae Variant Classification Sherloc (09022015). Collection method: clinical testing. Allele origin: germline.
Comment: This sequence change replaces arginine, which is basic and polar, with lysine, which is basic and polar, at codon 165 of the PEX6 protein (p.Arg165Lys). This variant is not present in population databases (gnomAD no frequency). This variant has not been reported in the literature in individuals affected with PEX6-related conditions. Algorithms developed to predict the effect of missense changes on protein structure and function output the following: SIFT: "Tolerated"; PolyPhen-2: "Benign"; Align-GVGD: "Class C0". The lysine amino acid residue is found in multiple mammalian species, which suggests that this missense change does not adversely affect protein function. In summary, the available evidence is currently insufficient to determine the role of this variant in disease. Therefore, it has been classified as a Variant of Uncertain Significance.